The following is an entry in ClinVar:

ClinVar aggregate classification (germline): Uncertain significance (1 of 4 stars; one submission).

Conditions:
Arrhythmogenic right ventricular dysplasia 10. Also called: Arrhythmogenic Right Ventricular Dysplasia/Cardiomyopathy10; ARRHYTHMOGENIC RIGHT VENTRICULAR DYSPLASIA, FAMILIAL, 10; Arrhythmogenic right ventricular dysplasia/cardiomyopathy, type 10. Identifiers: MedGen C1857777, MONDO:0012434, OMIM 610193.

Submission:

Labcorp Genetics (formerly Invitae), Labcorp
Classification: Uncertain significance for Arrhythmogenic right ventricular dysplasia 10. Last evaluated: 2019-08-21. Review status: criteria provided, single submitter. Criteria: Invitae Variant Classification Sherloc (09022015). Collection method: clinical testing. Allele origin: germline.
Comment: In summary, the available evidence is currently insufficient to determine the role of this variant in disease. Therefore, it has been classified as a Variant of Uncertain Significance. Algorithms developed to predict the effect of missense changes on protein structure and function (SIFT, PolyPhen-2, Align-GVGD) all suggest that this variant is likely to be tolerated, but these predictions have not been confirmed by published functional studies and their clinical significance is uncertain. This variant has not been reported in the literature in individuals with DSG2-related conditions. This variant is not present in population databases (ExAC no frequency). This sequence change replaces glutamic acid with aspartic acid at codon 560 of the DSG2 protein (p.Glu560Asp). The glutamic acid residue is moderately conserved and there is a small physicochemical difference between glutamic acid and aspartic acid.

NM_001943.5(DSG2):c.1680G>T (p.Glu560Asp)

Gene: DSG2 (desmoglein 2; plus strand). Cytogenetic location: 18q12.1.
Variant type: single nucleotide variant.
Coding change: c.1680G>T on transcript NM_001943.5 (MANE Select); coding-DNA position 1680, G replaced by T.
Protein change: p.Glu560Asp; replaces glutamic acid 560 with aspartic acid.
Molecular consequence: missense variant.
Genome position (GRCh38, 1-based): chr18:31,538,779, G>T. VCF-style: chr18-31538779-G-T. GRCh37 (hg19) VCF-style: chr18-29118742-G-T.
Other names: short protein forms E560D.
Identifiers: ClinVar variation 941642 (VCV000941642.9), dbSNP rs2073247614, ClinGen allele CA402136956.
Genomic context (GRCh38, chr18:31,538,779, plus strand): 5'-TTTTTATTTCCTTCTGCCTCCCAACCTTGTAGGTACCAGTGTGCTGCTGCAACAAAGTGA[G>T]AAAAAGCTTGGGAGAAGTGAAATTCAGTTCCTGATTTCAGACAATCAGGGTTTTAGTTGT-3'
Protein context (NP_001934.2, residues 550-570): ESTSVLLQQS[Glu560Asp]KKLGRSEIQF